The following is an entry in ClinVar:

ClinVar aggregate classification (germline): Likely benign. Review status: criteria provided, multiple submitters, no conflicts (2 of 4 stars). 4 submissions from 4 submitters: Likely benign (4). Last evaluated 2025-09-01.

Conditions:
Inborn genetic diseases. Identifiers: MedGen C0950123, MeSH D030342.
Early-infantile DEE. Also called: Ohtahara syndrome; Early infantile epileptic encephalopathy with suppression bursts; Early infantile epileptic encephalopathy. Identifiers: Orphanet 1934, MedGen C0393706, MONDO:0800491.

Allele frequency attached by ClinVar (database versions not stated): ExAC 0.00003; gnomAD 0.00003; gnomAD exomes 0.00004 and 0.00005; ESP Exome Variant Server 0.00008; TOPMed 0.00008.
gnomAD v4.1: 59 of 1,613,878 alleles (0.0037%); highest among the groups gnomAD compares: Middle Eastern, 0.017%; no homozygotes.

Submissions (4):

CeGaT Center for Human Genetics Tuebingen
Classification: Likely benign. Last evaluated: 2025-09-01. Review status: criteria provided, single submitter. Criteria: CeGaT Center For Human Genetics Tuebingen Variant Classification Criteria Version 2. Collection method: clinical testing. Allele origin: germline. Affected: yes. Observed: 1 variant allele.
Comment: SPTAN1: BP4, BP7

Labcorp Genetics (formerly Invitae), Labcorp
Classification: Likely benign for Early-infantile DEE. Last evaluated: 2025-08-29. Review status: criteria provided, single submitter. Criteria: Invitae Variant Classification Sherloc (09022015). Collection method: clinical testing. Allele origin: germline.

Blueprint Genetics
Classification: Likely benign. Last evaluated: 2024-10-29. Review status: criteria provided, single submitter. Criteria: ACMG Guidelines, 2015. Collection method: clinical testing. Allele origin: germline.

Ambry Genetics
Classification: Likely benign for Inborn genetic diseases. Last evaluated: 2017-07-19. Review status: criteria provided, single submitter. Criteria: Ambry Variant Classification Scheme 2023. Collection method: clinical testing. Allele origin: germline.

NM_001130438.3(SPTAN1):c.5469G>A (p.Pro1823=)

Gene: SPTAN1 (spectrin alpha, non-erythrocytic 1; plus strand). Cytogenetic location: 9q34.11.
Variant type: single nucleotide variant.
Coding change: c.5469G>A on transcript NM_001130438.3 (MANE Select); coding-DNA position 5469, G replaced by A.
Protein change: p.Pro1823=; no amino-acid change (proline 1823 retained).
Molecular consequence: synonymous variant.
Genome position (GRCh38, 1-based): chr9:128,617,751, G>A. VCF-style: chr9-128617751-G-A. GRCh37 (hg19) VCF-style: chr9-131380030-G-A.
Other names: c.5394G>A, p.Pro1798= (NM_001195532.2); c.5469G>A, p.Pro1823= (NM_001363759.2, NM_001375310.1, NM_001375311.2 and 1 more transcripts); c.5409G>A, p.Pro1803= (NM_001363765.2, NM_001375314.2); c.5505G>A, p.Pro1835= (NM_001375312.2, NM_001375318.1); c.5454G>A, p.Pro1818= (NM_003127.4).
Identifiers: ClinVar variation 699459 (VCV000699459.21), dbSNP rs142234188, ClinGen allele CA5265460.
Genomic context (GRCh38, chr9:128,617,751, plus strand): 5'-CGTGCAGAACCTGAGGAAGAAGCACAAGCGGCTGGAAGCAGAACTGGCTGCGCATGAGCC[G>A]GCTATTCAGGTAAGGAGGCCGCCTTCTGGCCAAGAGGGCAGAGGTGTTTGAGTGGGCCCC-3'
Protein context (NP_001123910.1, residues 1813-1833): RLEAELAAHE[Pro1823=]AIQGVLDTGK